The following is an entry in ClinVar:

ClinVar aggregate classification (germline): Uncertain significance (1 of 4 stars; one submission).

Allele frequency attached by ClinVar (database versions not stated): gnomAD exomes below 0.00001.
gnomAD v4.1: 4 of 1,563,148 alleles (0.00026%); highest among the groups gnomAD compares: Non-Finnish European, 0.00026%; no homozygotes.

Submission:

GeneDx
Classification: Uncertain significance. Last evaluated: 2022-03-30. Review status: criteria provided, single submitter. Criteria: GeneDx Variant Classification Process June 2021. Collection method: clinical testing. Allele origin: germline. Affected: yes.
Comment: Not observed at significant frequency in large population cohorts (gnomAD); In silico analysis supports that this missense variant has a deleterious effect on protein structure/function; Has not been previously published as pathogenic or benign to our knowledge

NM_014727.3(KMT2B):c.3640G>A (p.Glu1214Lys)

Gene: KMT2B (lysine methyltransferase 2B; plus strand). Cytogenetic location: 19q13.12.
Variant type: single nucleotide variant.
Coding change: c.3640G>A on transcript NM_014727.3 (MANE Select); coding-DNA position 3640, G replaced by A.
Protein change: p.Glu1214Lys; replaces glutamic acid 1214 with lysine.
Molecular consequence: missense variant.
Genome position (GRCh38, 1-based): chr19:35,725,331, G>A. VCF-style: chr19-35725331-G-A. GRCh37 (hg19) VCF-style: chr19-36216232-G-A.
Other names: short protein forms E1214K.
Identifiers: ClinVar variation 1707762 (VCV001707762.2), dbSNP rs2513330486, ClinGen allele CA405409624.